The following is an entry in ClinVar:

NM_206933.4(USH2A):c.5980G>A (p.Glu1994Lys)

Gene: USH2A (usherin; minus strand). Cytogenetic location: 1q41.
Variant type: single nucleotide variant.
Coding change: c.5980G>A on transcript NM_206933.4 (MANE Select); coding-DNA position 5980, G replaced by A.
Protein change: p.Glu1994Lys; replaces glutamic acid 1994 with lysine.
Molecular consequence: missense variant.
Genome position (GRCh38, 1-based): chr1:216,070,170, C>T on the plus strand (G>A on the coding strand, the complement: USH2A is on the minus strand). VCF-style: chr1-216070170-C-T. GRCh37 (hg19) VCF-style: chr1-216243512-C-T.
Other names: short protein forms E1994K.
Identifiers: ClinVar variation 847754 (VCV000847754.11), dbSNP rs147023536, ClinGen allele CA1395282.

ClinVar aggregate classification (germline): Conflicting classifications of pathogenicity. Review status: criteria provided, conflicting classifications (1 of 4 stars). 5 submissions from 5 submitters: Uncertain significance (3); Likely benign (1). 1 of the submissions does not count toward it. Last evaluated 2026-03-26.

Conditions:
Usher syndrome type 2A. Also called: RETINAL DISEASE IN USHER SYNDROME TYPE IIA, MODIFIER OF; USHER SYNDROME, TYPE IIA. Identifiers: Orphanet 231178, Orphanet 886, MedGen C1848634, MONDO:0010169, OMIM 276901.
Inborn genetic diseases. Identifiers: MedGen C0950123, MeSH D030342.

Allele frequency attached by ClinVar (database versions not stated): gnomAD exomes 0.00003 and 0.00007; ExAC 0.00008; TOPMed 0.00019; ESP Exome Variant Server 0.00023; gnomAD 0.00029 and 0.00031; 1000 Genomes Project 0.00060; 1000 Genomes Project 30x 0.00062.
gnomAD v4.1: 83 of 1,614,022 alleles (0.0051%); highest among the groups gnomAD compares: African/African-American, 0.096%; no homozygotes.

Submissions (5):

Ambry Genetics
Classification: Uncertain significance for Inborn genetic diseases. Last evaluated: 2026-03-26. Review status: criteria provided, single submitter. Criteria: Ambry Variant Classification Scheme 2023. Collection method: clinical testing. Allele origin: germline.

Labcorp Genetics (formerly Invitae), Labcorp
Classification: Likely benign. Last evaluated: 2026-01-24. Review status: criteria provided, single submitter. Criteria: Invitae Variant Classification Sherloc (09022015). Collection method: clinical testing. Allele origin: germline.

GeneDx
Classification: Uncertain significance. Last evaluated: 2024-11-06. Review status: criteria provided, single submitter. Criteria: GeneDx Variant Classification Process June 2021. Collection method: clinical testing. Allele origin: germline. Affected: yes.
Comment: In silico analysis indicates that this missense variant does not alter protein structure/function; Has not been previously published as pathogenic or benign to our knowledge

Blueprint Genetics
Classification: Uncertain significance. Last evaluated: 2021-10-14. Review status: criteria provided, single submitter. Criteria: ACMG Guidelines, 2015. Collection method: clinical testing. Allele origin: germline.

Natera, Inc.
Classification: Uncertain significance for Usher syndrome type 2A. Last evaluated: 2020-01-24. Review status: no assertion criteria provided. Collection method: clinical testing. Allele origin: germline. Not counted in ClinVar's aggregate classification.